The following is an entry in ClinVar:

ClinVar aggregate classification (germline): Pathogenic/Likely pathogenic. Review status: criteria provided, multiple submitters, no conflicts (2 of 4 stars). 9 submissions from 7 submitters: Pathogenic (3); Likely pathogenic (1). 5 of the submissions do not count toward it. Last evaluated 2025-12-01.

Conditions:
Jeune thoracic dystrophy. Also called: Jeune syndrome; Infantile thoracic dystrophy; Thoracic pelvic phalangeal dystrophy; Jeune's syndrome; Chondroectodermal dysplasia-like syndrome; Short-rib thoracic dysplasia. Identifiers: Orphanet 474, MedGen C0265275, MONDO:0018770.
Asphyxiating thoracic dystrophy 3. Also called: SHORT-RIB THORACIC DYSPLASIA 3 WITH OR WITHOUT POLYDACTYLY; POLYDACTYLY WITH NEONATAL CHONDRODYSTROPHY, TYPE I; SHORT-RIB THORACIC DYSPLASIA 3/6 WITH POLYDACTYLY, DIGENIC; Short rib polydactyly syndrome 2B; Saldino-Noonan Syndrome. Identifiers: Orphanet 474, Orphanet 93269, Orphanet 93270, Orphanet 93271, MedGen C0036069, MONDO:0013127, OMIM 613091.
Short-rib thoracic dysplasia 6 with or without polydactyly (SRTD6). Also called: SHORT RIB-POLYDACTYLY SYNDROME, TYPE IIA; Majewski Syndrome; SHORT-RIB THORACIC DYSPLASIA 6 WITH POLYDACTYLY; SHORT-RIB THORACIC DYSPLASIA 6 WITHOUT POLYDACTYLY; POLYDACTYLY WITH NEONATAL CHONDRODYSTROPHY, TYPE II. Identifiers: MedGen C0024507, MONDO:0009894, OMIM 263520.
Autosomal recessive polycystic kidney disease (ARPKD). Also called: AR polycystic kidney disease. Identifiers: Orphanet 731, Orphanet 8378, MedGen C0085548, MeSH D017044, MONDO:0009889.
DYNC2H1-related disorder. Also called: DYNC2H1-related condition; DYNC2H1-related disorders. Identifiers: MedGen CN378770.

Allele frequency attached by ClinVar (database versions not stated): gnomAD exomes 0.00001 and 0.00004; gnomAD 0.00002; TOPMed 0.00002.
gnomAD v4.1: 54 of 1,580,018 alleles (0.0034%); highest among the groups gnomAD compares: Non-Finnish European, 0.0045%; no homozygotes.

Submissions (9):

Labcorp Genetics (formerly Invitae), Labcorp
Classification: Pathogenic for Jeune thoracic dystrophy. Last evaluated: 2025-12-01. Review status: criteria provided, single submitter. Criteria: Invitae Variant Classification Sherloc (09022015). Collection method: clinical testing. Allele origin: germline.
Comment: This sequence change affects a donor splice site in intron 66 of the DYNC2H1 gene. It is expected to disrupt RNA splicing. Variants that disrupt the donor or acceptor splice site typically lead to a loss of protein function (PMID: 16199547), and loss-of-function variants in DYNC2H1 are known to be pathogenic (PMID: 23339108, 32753734, 33755199). This variant is present in population databases (no rsID available, gnomAD 0.003%). Disruption of this splice site has been observed in individuals with short-rib polydactyly syndrome (PMID: 29068549). ClinVar contains an entry for this variant (Variation ID: 446536). Algorithms developed to predict the effect of sequence changes on RNA splicing suggest that this variant may disrupt the consensus splice site. For these reasons, this variant has been classified as Pathogenic.

GeneDx
Classification: Pathogenic. Last evaluated: 2025-02-18. Review status: criteria provided, single submitter. Criteria: GeneDx Variant Classification Process June 2021. Collection method: clinical testing. Allele origin: germline.
Comment: Canonical splice site variant predicted to result in a null allele in a gene for which loss of function is a known mechanism of disease; Not observed at significant frequency in large population cohorts (gnomAD); This variant is associated with the following publications: (PMID: 29068549, 30773290)

Fulgent Genetics
Classification: Likely pathogenic for Asphyxiating thoracic dystrophy 3. Last evaluated: 2024-02-27. Review status: criteria provided, single submitter. Criteria: ACMG Guidelines, 2015. Collection method: clinical testing. Allele origin: germline.

Blueprint Genetics
Classification: Pathogenic for DYNC2H1-related disorders. Last evaluated: 2022-08-11. Review status: criteria provided, single submitter. Criteria: ACMG Guidelines, 2015. Collection method: clinical testing. Allele origin: germline. Affected: yes. Observed: 3 variant alleles.

Sydney Genome Diagnostics, Children's Hospital Westmead
Classification: Pathogenic for Autosomal recessive polycystic kidney disease. Last evaluated: 2018-07-06. Review status: no assertion criteria provided. Collection method: clinical testing. Allele origin: unknown. Affected: yes. Observed: 1 variant allele, 1 heterozygote. Not counted in ClinVar's aggregate classification.
Comment: To our knowledge, this variant has not been previously reported in the literature or any disease specific databases. However, this variant has been submitted as pathogenic on ClinVar. This variant has been reported in the gnomAD browser with a very low allele frequency of 0.0013% (3 out of 227,450 alleles). In silico analysis of pathogenicity (through Alamut Visual v2.8.1) predicts that this variant abolishes the splice donor site. This variant is considered to be pathogenic according to the ACMG guidelines.

Dan Cohn Lab, University Of California Los Angeles
Classification: Pathogenic for Short-rib thoracic dysplasia 6 with or without polydactyly. Last evaluated: 2017-06-01. Review status: no assertion criteria provided. Collection method: research. Allele origin: maternal. Affected: yes. Not counted in ClinVar's aggregate classification.

Dan Cohn Lab, University Of California Los Angeles
Classification: Pathogenic for Asphyxiating thoracic dystrophy 3. Last evaluated: 2017-06-01. Review status: no assertion criteria provided. Collection method: research. Allele origin: maternal. Affected: yes. Not counted in ClinVar's aggregate classification.

University of Washington Center for Mendelian Genomics, University of Washington
Classification: Likely pathogenic for Asphyxiating thoracic dystrophy 3. Review status: no assertion criteria provided. Collection method: research. Allele origin: inherited. Affected: yes. Not counted in ClinVar's aggregate classification.

University of Washington Center for Mendelian Genomics, University of Washington
Classification: Likely pathogenic for short-rib polydactyly syndrome type II. Review status: no assertion criteria provided. Collection method: research. Allele origin: inherited. Affected: yes. Not counted in ClinVar's aggregate classification.

Literature cited by the submitters: PubMed 16199547 (cited by Labcorp Genetics (formerly Invitae), Labcorp); PubMed 23339108 (cited by Labcorp Genetics (formerly Invitae), Labcorp); PubMed 32753734 (cited by Labcorp Genetics (formerly Invitae), Labcorp); PubMed 33755199 (cited by Labcorp Genetics (formerly Invitae), Labcorp); PubMed 29068549 (cited by 3 submitters).

NM_001377.3(DYNC2H1):c.10042+2T>G

Gene: DYNC2H1 (dynein cytoplasmic 2 heavy chain 1; plus strand). Cytogenetic location: 11q22.3.
Variant type: single nucleotide variant.
Coding change: c.10042+2T>G on transcript NM_001377.3 (MANE Select); the canonical splice donor site of the intron after coding-DNA position 10042, T replaced by G.
Molecular consequence: splice donor variant.
Genome position (GRCh38, 1-based): chr11:103,245,376, T>G. VCF-style: chr11-103245376-T-G. GRCh37 (hg19) VCF-style: chr11-103116105-T-G.
Other names: c.10063+2T>G (NM_001080463.2).
Identifiers: ClinVar variation 446536 (VCV000446536.17), dbSNP rs1261505725, ClinGen allele CA382246199.